The following is an entry in ClinVar:

ClinVar aggregate classification (germline): Uncertain significance. Review status: criteria provided, multiple submitters, no conflicts (2 of 4 stars). 2 submissions from 2 submitters: Uncertain significance (2). Last evaluated 2025-08-07.

Conditions:
Birt-Hogg-Dube syndrome. Also called: Birt Hogg Dubé syndrome. Identifiers: Orphanet 122, MedGen C0346010, MONDO:0800444.
Hereditary cancer-predisposing syndrome. Also called: Tumor predisposition; Hereditary neoplastic syndrome; Hereditary Cancer Syndrome; Neoplastic Syndromes, Hereditary. Identifiers: Orphanet 140162, MedGen C0027672, MeSH D009386, MONDO:0015356.

Allele frequency attached by ClinVar (database versions not stated): gnomAD exomes below 0.00001; TOPMed below 0.00001.
gnomAD v4.1: 1 of 1,613,836 alleles (0.000062%); highest among the groups gnomAD compares: Non-Finnish European, 0.000085%; no homozygotes.

Submissions (2):

Labcorp Genetics (formerly Invitae), Labcorp
Classification: Uncertain significance for Birt-Hogg-Dube syndrome. Last evaluated: 2025-08-07. Review status: criteria provided, single submitter. Criteria: Invitae Variant Classification Sherloc (09022015). Collection method: clinical testing. Allele origin: germline.
Comment: This sequence change replaces proline, which is neutral and non-polar, with serine, which is neutral and polar, at codon 30 of the FLCN protein (p.Pro30Ser). This variant is not present in population databases (gnomAD no frequency). This variant has not been reported in the literature in individuals affected with FLCN-related conditions. ClinVar contains an entry for this variant (Variation ID: 1446113). Invitae Evidence Modeling of protein sequence and biophysical properties (such as structural, functional, and spatial information, amino acid conservation, physicochemical variation, residue mobility, and thermodynamic stability) indicates that this missense variant is not expected to disrupt FLCN protein function with a negative predictive value of 80%. In summary, the available evidence is currently insufficient to determine the role of this variant in disease. Therefore, it has been classified as a Variant of Uncertain Significance.

Ambry Genetics
Classification: Uncertain significance for Hereditary cancer-predisposing syndrome. Last evaluated: 2024-04-12. Review status: criteria provided, single submitter. Criteria: Ambry Variant Classification Scheme 2023. Collection method: clinical testing. Allele origin: germline.
Comment: The p.P30S variant (also known as c.88C>T), located in coding exon 1 of the FLCN gene, results from a C to T substitution at nucleotide position 88. The proline at codon 30 is replaced by serine, an amino acid with similar properties. This amino acid position is highly conserved in available vertebrate species. In addition, the in silico prediction for this alteration is inconclusive. Based on the available evidence, the clinical significance of this variant remains unclear.

NM_144997.7(FLCN):c.88C>T (p.Pro30Ser)

Gene: FLCN (folliculin; minus strand). Cytogenetic location: 17p11.2.
Variant type: single nucleotide variant.
Coding change: c.88C>T on transcript NM_144997.7 (MANE Select); coding-DNA position 88, C replaced by T.
Protein change: p.Pro30Ser; replaces proline 30 with serine.
Molecular consequence: missense variant.
Genome position (GRCh38, 1-based): chr17:17,228,050, G>A on the plus strand (C>T on the coding strand, the complement: FLCN is on the minus strand). VCF-style: chr17-17228050-G-A. GRCh37 (hg19) VCF-style: chr17-17131364-G-A.
Other names: c.88C>T, p.Pro30Ser (NM_001353229.2, NM_001353230.2, NM_001353231.2 and 1 more transcripts); c.88C>T (NM_144997.5); short protein forms P30S.
Identifiers: ClinVar variation 1446113 (VCV001446113.12), dbSNP rs2047311657, ClinGen allele CA398535358.